The following is an entry in ClinVar:

NM_017654.4(SAMD9):c.3889G>C (p.Ala1297Pro)

Gene: SAMD9 (sterile alpha motif domain containing 9; minus strand). Cytogenetic location: 7q21.2.
Variant type: single nucleotide variant.
Coding change: c.3889G>C on transcript NM_017654.4 (MANE Select); coding-DNA position 3889, G replaced by C.
Protein change: p.Ala1297Pro; replaces alanine 1297 with proline.
Molecular consequence: missense variant.
Genome position (GRCh38, 1-based): chr7:93,102,209, C>G on the plus strand (G>C on the coding strand, the complement: SAMD9 is on the minus strand). VCF-style: chr7-93102209-C-G. GRCh37 (hg19) VCF-style: chr7-92731522-C-G.
Other names: c.3889G>C, p.Ala1297Pro (NM_001193307.2); c.3889G>C (NM_017654.3); short protein forms A1297P.
Identifiers: ClinVar variation 3687587 (VCV003687587.3).

ClinVar aggregate classification (germline): Uncertain significance. Review status: criteria provided, multiple submitters, no conflicts (2 of 4 stars). 2 submissions from 2 submitters: Uncertain significance (2). Last evaluated 2025-04-11.

Conditions:
Inborn genetic diseases. Identifiers: MedGen C0950123, MeSH D030342.

gnomAD v4.1: 1 of 1,613,534 alleles (0.000062%); highest among the groups gnomAD compares: African/African-American, 0.0013%; no homozygotes.

Submissions (2):

Ambry Genetics
Classification: Uncertain significance for Inborn genetic diseases. Last evaluated: 2025-04-11. Review status: criteria provided, single submitter. Criteria: Ambry Variant Classification Scheme 2023. Collection method: clinical testing. Allele origin: germline.
Comment: The p.A1297P variant (also known as c.3889G>C), located in coding exon 1 of the SAMD9 gene, results from a G to C substitution at nucleotide position 3889. The alanine at codon 1297 is replaced by proline, an amino acid with highly similar properties. This amino acid position is conserved. In addition, this alteration is predicted to be tolerated by in silico analysis. Based on the available evidence, the clinical significance of this variant remains unclear.

Labcorp Genetics (formerly Invitae), Labcorp
Classification: Uncertain significance. Last evaluated: 2024-10-29. Review status: criteria provided, single submitter. Criteria: Invitae Variant Classification Sherloc (09022015). Collection method: clinical testing. Allele origin: germline.
Comment: This sequence change replaces alanine, which is neutral and non-polar, with proline, which is neutral and non-polar, at codon 1297 of the SAMD9 protein (p.Ala1297Pro). This variant is not present in population databases (gnomAD no frequency). This variant has not been reported in the literature in individuals affected with SAMD9-related conditions. Invitae Evidence Modeling of protein sequence and biophysical properties (such as structural, functional, and spatial information, amino acid conservation, physicochemical variation, residue mobility, and thermodynamic stability) indicates that this missense variant is not expected to disrupt SAMD9 protein function with a negative predictive value of 95%. In summary, the available evidence is currently insufficient to determine the role of this variant in disease. Therefore, it has been classified as a Variant of Uncertain Significance.